The following is an entry in ClinVar:

NM_000264.5(PTCH1):c.46G>A (p.Gly16Ser)

Genes: PTCH1 (patched 1; minus strand), LOC130002133 (ATAC-STARR-seq lymphoblastoid silent region 20071; plus strand). Cytogenetic location: 9q22.32.
Variant type: single nucleotide variant.
Coding change: c.46G>A on transcript NM_000264.5 (MANE Select); coding-DNA position 46, G replaced by A.
Protein change: p.Gly16Ser; replaces glycine 16 with serine.
Molecular consequence: missense variant. On other transcripts: non-coding transcript variant (1), intron variant (3).
Genome position (GRCh38, 1-based): chr9:95,508,316, C>T on the plus strand (G>A on the coding strand, the complement: PTCH1 is on the minus strand). VCF-style: chr9-95508316-C-T. GRCh37 (hg19) VCF-style: chr9-98270598-C-T.
Other names: c.46G>A, p.Gly16Ser (NM_001354918.2); c.199-1717G>A (NM_001083603.3); c.4-1717G>A (NM_001083602.3, NM_001354919.2); short protein forms G16S.
Identifiers: ClinVar variation 367677 (VCV000367677.18), dbSNP rs1057515721, ClinGen allele CA10634607.

ClinVar aggregate classification (germline): Conflicting classifications of pathogenicity. Review status: criteria provided, conflicting classifications (1 of 4 stars). 5 submissions from 4 submitters: Uncertain significance (3); Benign (1); Likely benign (1). Last evaluated 2025-12-14.

Conditions:
Hereditary cancer-predisposing syndrome. Also called: Hereditary Cancer Syndrome; Hereditary neoplastic syndrome; Tumor predisposition; Neoplastic Syndromes, Hereditary. Identifiers: Orphanet 140162, MedGen C0027672, MeSH D009386, MONDO:0015356.
Holoprosencephaly 7 (HPE7). Identifiers: Orphanet 2162, MedGen C1835820, MONDO:0012562, OMIM 610828.
Gorlin syndrome. Also called: Basal cell nevus syndrome; Nevoid Basal Cell Carcinoma Syndrome. Identifiers: Orphanet 377, MedGen C0004779, MONDO:0007187.

Allele frequency attached by ClinVar (database versions not stated): TOPMed 0.00002; gnomAD 0.00003; gnomAD exomes 0.00007 and 0.00010.
gnomAD v4.1: 95 of 1,386,634 alleles (0.0069%); highest among the groups gnomAD compares: Non-Finnish European, 0.0085%; no homozygotes.

Submissions (5):

Labcorp Genetics (formerly Invitae), Labcorp
Classification: Likely benign for Gorlin syndrome. Last evaluated: 2025-12-14. Review status: criteria provided, single submitter. Criteria: Invitae Variant Classification Sherloc (09022015). Collection method: clinical testing. Allele origin: germline.

GeneDx
Classification: Uncertain significance. Last evaluated: 2025-08-07. Review status: criteria provided, single submitter. Criteria: GeneDx Variant Classification Process June 2021. Collection method: clinical testing. Allele origin: germline.
Comment: In silico analysis suggests that this missense variant does not alter protein structure/function; Has not been previously published as pathogenic or benign to our knowledge

Ambry Genetics
Classification: Benign for Hereditary cancer-predisposing syndrome. Last evaluated: 2025-03-12. Review status: criteria provided, single submitter. Criteria: Ambry Variant Classification Scheme 2023. Collection method: clinical testing. Allele origin: germline.

Illumina Laboratory Services, Illumina
Classification: Uncertain significance for Holoprosencephaly 7. Last evaluated: 2018-01-13. Review status: criteria provided, single submitter. Criteria: ICSL Variant Classification Criteria 13 December 2019. Collection method: clinical testing. Allele origin: germline.

Illumina Laboratory Services, Illumina
Classification: Uncertain significance for Basal cell nevus syndrome 1. Last evaluated: 2018-01-13. Review status: criteria provided, single submitter. Criteria: ICSL Variant Classification Criteria 13 December 2019. Collection method: clinical testing. Allele origin: germline.